The following is an entry in ClinVar:

ClinVar aggregate classification (germline): Uncertain significance. Review status: criteria provided, multiple submitters, no conflicts (2 of 4 stars). 2 submissions from 2 submitters: Uncertain significance (2). Last evaluated 2024-01-17.

Conditions:
Early-infantile DEE. Also called: Early infantile epileptic encephalopathy; Ohtahara syndrome; Early infantile epileptic encephalopathy with suppression bursts. Identifiers: Orphanet 1934, MedGen C0393706, MONDO:0800491.

Submissions (3):

Mayo Clinic Laboratories, Mayo Clinic
Classification: Uncertain significance. Last evaluated: 2024-01-17. Review status: criteria provided, single submitter. Criteria: ACMG Guidelines, 2015. Collection method: clinical testing. Allele origin: germline. Observed: 1 variant allele.
Comment: PM2_moderate

Labcorp Genetics (formerly Invitae), Labcorp
Classification: Uncertain significance for Early-infantile DEE. Last evaluated: 2019-05-29. Review status: criteria provided, single submitter. Criteria: Invitae Variant Classification Sherloc (09022015). Collection method: clinical testing. Allele origin: germline.
Comment: In summary, the available evidence is currently insufficient to determine the role of this variant in disease. Therefore, it has been classified as a Variant of Uncertain Significance. Nucleotide substitutions within the consensus splice site are a relatively common cause of aberrant splicing (PMID: 17576681, 9536098). Algorithms developed to predict the effect of sequence changes on RNA splicing suggest that this variant may disrupt the consensus splice site, but this prediction has not been confirmed by published transcriptional studies. This variant has not been reported in the literature in individuals with SPTAN1-related conditions. This variant is not present in population databases (ExAC no frequency). This sequence change falls in intron 47 of the SPTAN1 gene. It does not directly change the encoded amino acid sequence of the SPTAN1 protein, but it affects a nucleotide within the consensus splice site of the intron.

Dr. Peter K. Rogan Lab, Western University
No classification provided (evidence only). Condition: Malignant tumor of urinary bladder. Review status: no classification provided. Collection method: in vitro. Allele origin: not applicable. Functional consequence: retained intron. Not counted in ClinVar's aggregate classification.

Literature cited by the submitters: PubMed 17576681 (cited by Labcorp Genetics (formerly Invitae), Labcorp); PubMed 9536098 (cited by Labcorp Genetics (formerly Invitae), Labcorp).

NM_001130438.3(SPTAN1):c.6070-3C>G

Gene: SPTAN1 (spectrin alpha, non-erythrocytic 1; plus strand). Cytogenetic location: 9q34.11.
Variant type: single nucleotide variant.
Coding change: c.6070-3C>G on transcript NM_001130438.3 (MANE Select); 3 bases into the intron before coding-DNA position 6070, C replaced by G.
Molecular consequence: intron variant.
Genome position (GRCh38, 1-based): chr9:128,625,766, C>G. VCF-style: chr9-128625766-C-G. GRCh37 (hg19) VCF-style: chr9-131388045-C-G.
Other names: p.?; c.6106-3C>G (NM_001375318.1, NM_001375312.2); c.6070-3C>G (NM_001375311.2, NM_001375310.1, NM_001363759.2 and 1 more transcripts); c.6010-3C>G (NM_001375314.2, NM_001363765.2); c.6055-3C>G (NM_003127.4); c.5995-3C>G (NM_001195532.2).
Identifiers: ClinVar variation 936543 (VCV000936543.12), dbSNP rs1858641214, ClinGen allele CA1139661197.